The following is an entry in ClinVar:

ClinVar aggregate classification (germline): Benign/Likely benign. Review status: criteria provided, multiple submitters, no conflicts (2 of 4 stars). 17 submissions from 17 submitters: Benign (3); Likely benign (11). 3 of the submissions do not count toward it. Last evaluated 2026-04-01.

Conditions:
Classic or attenuated familial adenomatous polyposis. Identifiers: MedGen CN372698, MONDO:0021057.
Hereditary cancer-predisposing syndrome. Also called: Tumor predisposition; Neoplastic Syndromes, Hereditary; Hereditary Cancer Syndrome; Hereditary neoplastic syndrome. Identifiers: Orphanet 140162, MedGen C0027672, MeSH D009386, MONDO:0015356.
Familial adenomatous polyposis 1 (FAP1). Also called: POLYPOSIS, ADENOMATOUS INTESTINAL; FAMILIAL ADENOMATOUS POLYPOSIS 1, ATTENUATED. Identifiers: MedGen C2713442, MONDO:0021056, OMIM 175100. Disease mechanism: loss of function.
Carcinoma of colon (CRC). Also called: Colon carcinoma; Colonic carcinoma. Identifiers: MedGen C0699790, MONDO:0002032.

Allele frequency attached by ClinVar (database versions not stated): TOPMed 0.00005; gnomAD 0.00006 and 0.00007; gnomAD exomes 0.00009 and 0.00012; ExAC 0.00021.
gnomAD v4.1: 140 of 1,613,904 alleles (0.0087%); highest among the groups gnomAD compares: Middle Eastern, 0.016%; no homozygotes.

Submissions (17):

CeGaT Center for Human Genetics Tuebingen
Classification: Likely benign. Last evaluated: 2026-04-01. Review status: criteria provided, single submitter. Criteria: CeGaT Center For Human Genetics Tuebingen Variant Classification Criteria Version 2. Collection method: clinical testing. Allele origin: germline. Affected: yes. Observed: 1 variant allele.
Comment: APC: BP4, BP7

Labcorp Genetics (formerly Invitae), Labcorp
Classification: Likely benign for Familial adenomatous polyposis 1. Last evaluated: 2026-01-27. Review status: criteria provided, single submitter. Criteria: Invitae Variant Classification Sherloc (09022015). Collection method: clinical testing. Allele origin: germline.

Center for Genomic Medicine, Rigshospitalet, Copenhagen University Hospital
Classification: Likely benign. Last evaluated: 2025-03-04. Review status: criteria provided, single submitter. Criteria: ACMG Guidelines, 2015. Collection method: clinical testing. Allele origin: germline.

Blueprint Genetics
Classification: Likely benign. Last evaluated: 2024-08-19. Review status: criteria provided, single submitter. Criteria: ACMG Guidelines, 2015. Collection method: clinical testing. Allele origin: germline.

Myriad Genetics, Inc.
Classification: Benign for Familial adenomatous polyposis 1. Last evaluated: 2024-03-21. Review status: criteria provided, single submitter. Criteria: Myriad Autosomal Dominant, Autosomal Recessive and X-Linked Classification Criteria (2023). Collection method: clinical testing. Allele origin: unknown.
Comment: This variant is considered benign. This variant is a silent/synonymous amino acid change and it is not expected to impact splicing.

All of Us Research Program, National Institutes of Health
Classification: Likely benign for Classic or attenuated familial adenomatous polyposis. Last evaluated: 2023-12-07. Review status: criteria provided, single submitter. Criteria: ACMG Guidelines, 2015. Collection method: clinical testing. Allele origin: germline. Inheritance: Autosomal dominant inheritance. Observed: 16 variant alleles, 16 heterozygotes.
Comment: This study involves interpretation of variants in research participants for the purpose of population health screening. Participant phenotype was not available at the time of variant classification. Additional details can be found in publication PMID: 35346344, PMCID: PMC8962531

Sema4
Classification: Likely benign for Hereditary cancer-predisposing syndrome. Last evaluated: 2022-01-12. Review status: criteria provided, single submitter. Criteria: Sema4 Curation Guidelines. Collection method: curation. Allele origin: germline.

GeneDx
Classification: Likely benign. Last evaluated: 2020-03-11. Review status: criteria provided, single submitter. Criteria: GeneDx Variant Classification Process June 2021. Collection method: clinical testing. Allele origin: germline. Affected: yes.

Women's Health and Genetics/Laboratory Corporation of America, LabCorp
Classification: Benign. Last evaluated: 2019-09-12. Review status: criteria provided, single submitter. Criteria: LabCorp Variant Classification Summary - May 2015. Collection method: clinical testing. Allele origin: germline.

Quest Diagnostics Nichols Institute San Juan Capistrano
Classification: Benign. Last evaluated: 2019-06-06. Review status: criteria provided, single submitter. Criteria: Quest Diagnostics criteria. Collection method: clinical testing. Allele origin: germline.

Color Diagnostics, LLC DBA Color Health
Classification: Likely benign for Hereditary cancer-predisposing syndrome. Last evaluated: 2016-11-22. Review status: criteria provided, single submitter. Criteria: ACMG Guidelines, 2015. Collection method: clinical testing. Allele origin: germline.

PreventionGenetics, part of Exact Sciences
Classification: Likely benign. Last evaluated: 2016-11-22. Review status: criteria provided, single submitter. Criteria: ACMG Guidelines, 2015. Collection method: clinical testing. Allele origin: germline.

Ambry Genetics
Classification: Likely benign for Hereditary cancer-predisposing syndrome. Last evaluated: 2014-06-18. Review status: criteria provided, single submitter. Criteria: Ambry Variant Classification Scheme 2023. Collection method: clinical testing. Allele origin: germline.

Breakthrough Genomics
Classification: Likely benign. Review status: criteria provided, single submitter. Criteria: ACMG Guidelines, 2015. Collection method: not provided. Allele origin: germline. Inheritance: Autosomal dominant inheritance. Affected: yes.

Clinical Genetics, Academic Medical Center
Classification: Likely benign. Review status: no assertion criteria provided. Collection method: clinical testing. Allele origin: germline. Affected: yes. Study: VKGL Data-share Consensus. Not counted in ClinVar's aggregate classification.

Department of Pathology and Laboratory Medicine, Sinai Health System
Classification: Likely benign for Carcinoma of colon. Review status: no assertion criteria provided. Collection method: clinical testing. Allele origin: unknown. Affected: yes. Study: The Canadian Open Genetics Repository (COGR). Not counted in ClinVar's aggregate classification.
Comment: The APC p.Thr1208Thr variant is not expected to have clinical significance because it does not result in a change of amino acid and is not located in a known consensus splice site; in addition, in silico or computational prediction software programs (SpliceSiteFinder, MaxEntScan, NNSPLICE, GeneSplicer, HumanSpliceFinder) do not predict a difference in splicing. The variant was identified in the Exome Aggregation Consortium (ExAC) database in 23 of 66362 chromosomes from a population of European (non-Finnish) individuals (frequency: 0.0003), and in the the ClinVar database where it was classified as a likely benign variant by two submitters (Invitae and Ambry Genetics). The variant was not identified in the literature, nor was it identified in any other databases searched. In summary, based on the above information, the clinical significance of this variant cannot be determined with certainty at this time although we would lean towards a more benign role for this variant. This variant is classified as predicted benign.

Joint Genome Diagnostic Labs from Nijmegen and Maastricht, Radboudumc and MUMC+
Classification: Likely benign. Review status: no assertion criteria provided. Collection method: clinical testing. Allele origin: germline. Affected: yes. Study: VKGL Data-share Consensus. Not counted in ClinVar's aggregate classification.

NM_000038.6(APC):c.3624C>T (p.Thr1208=)

Gene: APC (APC regulator of Wnt signaling pathway; plus strand). Cytogenetic location: 5q22.2.
Variant type: single nucleotide variant.
Coding change: c.3624C>T on transcript NM_000038.6 (MANE Select); coding-DNA position 3624, C replaced by T.
Protein change: p.Thr1208=; no amino-acid change (threonine 1208 retained).
Molecular consequence: synonymous variant.
Genome position (GRCh38, 1-based): chr5:112,839,218, C>T. VCF-style: chr5-112839218-C-T. GRCh37 (hg19) VCF-style: chr5-112174915-C-T.
Other names: c.3624C>T, p.Thr1208= (NM_001127510.3, NM_001354895.2); c.3570C>T, p.Thr1190= (NM_001127511.3); c.3678C>T, p.Thr1226= (NM_001354896.2); c.3654C>T, p.Thr1218= (NM_001354897.2); c.3549C>T, p.Thr1183= (NM_001354898.2); c.3540C>T, p.Thr1180= (NM_001354899.2); c.3501C>T, p.Thr1167= (NM_001354900.2); c.3447C>T, p.Thr1149= (NM_001354901.2); and 5 more.
Identifiers: ClinVar variation 183063 (VCV000183063.36), dbSNP rs730882125, ClinGen allele CA008557.
Genomic context (GRCh38, chr5:112,839,218, plus strand): 5'-TTCATCACAGAAACAGTCATTTTCATTCTCAAAGAGTTCATCTGGACAAAGCAGTAAAAC[C>T]GAACATATGTCTTCAAGCAGTGAGAATACGTCCACACCTTCATCTAATGCCAAGAGGCAG-3'
Protein context (NP_000029.2, residues 1198-1218): SKSSSGQSSK[Thr1208=]EHMSSSSENT